The following is an entry in ClinVar:

ClinVar aggregate classification (germline): Uncertain significance (1 of 4 stars; one submission).

Allele frequency attached by ClinVar (database versions not stated): ExAC 0.00001; gnomAD exomes 0.00001.
gnomAD v4.1: 4 of 1,614,170 alleles (0.00025%); highest among the groups gnomAD compares: South Asian, 0.0044%; no homozygotes.

Submission:

Labcorp Genetics (formerly Invitae), Labcorp
Classification: Uncertain significance. Last evaluated: 2024-05-15. Review status: criteria provided, single submitter. Criteria: Invitae Variant Classification Sherloc (09022015). Collection method: clinical testing. Allele origin: germline.
Comment: This sequence change replaces aspartic acid, which is acidic and polar, with glutamic acid, which is acidic and polar, at codon 321 of the DUOX2 protein (p.Asp321Glu). This variant is present in population databases (rs773193150, gnomAD 0.006%). This variant has not been reported in the literature in individuals affected with DUOX2-related conditions. ClinVar contains an entry for this variant (Variation ID: 1503283). Advanced modeling of protein sequence and biophysical properties (such as structural, functional, and spatial information, amino acid conservation, physicochemical variation, residue mobility, and thermodynamic stability) performed at Invitae indicates that this missense variant is not expected to disrupt DUOX2 protein function with a negative predictive value of 80%. In summary, the available evidence is currently insufficient to determine the role of this variant in disease. Therefore, it has been classified as a Variant of Uncertain Significance.

NM_001363711.2(DUOX2):c.963C>A (p.Asp321Glu)

Gene: DUOX2 (dual oxidase 2; minus strand). Cytogenetic location: 15q21.1.
Variant type: single nucleotide variant.
Coding change: c.963C>A on transcript NM_001363711.2 (MANE Select); coding-DNA position 963, C replaced by A.
Protein change: p.Asp321Glu; replaces aspartic acid 321 with glutamic acid.
Molecular consequence: missense variant.
Genome position (GRCh38, 1-based): chr15:45,110,505, G>T on the plus strand (C>A on the coding strand, the complement: DUOX2 is on the minus strand). VCF-style: chr15-45110505-G-T. GRCh37 (hg19) VCF-style: chr15-45402703-G-T.
Other names: c.963C>A, p.Asp321Glu (NM_014080.5); short protein forms D321E.
Identifiers: ClinVar variation 1503283 (VCV001503283.8), dbSNP rs773193150, ClinGen allele CA7538798.